The following is an entry in ClinVar:

ClinVar aggregate classification (germline): Uncertain significance. Review status: criteria provided, multiple submitters, no conflicts (2 of 4 stars). 3 submissions from 3 submitters: Uncertain significance (3). Last evaluated 2026-03-01.

Conditions:
Hereditary cancer-predisposing syndrome. Also called: Hereditary neoplastic syndrome; Tumor predisposition; Hereditary Cancer Syndrome; Neoplastic Syndromes, Hereditary. Identifiers: Orphanet 140162, MedGen C0027672, MeSH D009386, MONDO:0015356.
Bloom syndrome (BLM). Also called: Bloom-Torre-Machacek syndrome. Identifiers: Orphanet 125, MedGen C0005859, MONDO:0008876, OMIM 210900.

Allele frequency attached by ClinVar (database versions not stated): TOPMed 0.00001.

Submissions (3):

CeGaT Center for Human Genetics Tuebingen
Classification: Uncertain significance. Last evaluated: 2026-03-01. Review status: criteria provided, single submitter. Criteria: CeGaT Center For Human Genetics Tuebingen Variant Classification Criteria Version 2. Collection method: clinical testing. Allele origin: germline. Affected: yes. Observed: 3 variant alleles.
Comment: BLM: PM2, PM3, BP4

Labcorp Genetics (formerly Invitae), Labcorp
Classification: Uncertain significance for Bloom syndrome. Last evaluated: 2024-08-13. Review status: criteria provided, single submitter. Criteria: Invitae Variant Classification Sherloc (09022015). Collection method: clinical testing. Allele origin: germline.
Comment: This sequence change replaces aspartic acid, which is acidic and polar, with valine, which is neutral and non-polar, at codon 207 of the BLM protein (p.Asp207Val). This variant is not present in population databases (gnomAD no frequency). This variant has not been reported in the literature in individuals affected with BLM-related conditions. ClinVar contains an entry for this variant (Variation ID: 1443214). An algorithm developed to predict the effect of missense changes on protein structure and function (PolyPhen-2) suggests that this variant is likely to be tolerated. In summary, the available evidence is currently insufficient to determine the role of this variant in disease. Therefore, it has been classified as a Variant of Uncertain Significance.

Ambry Genetics
Classification: Uncertain significance for Hereditary cancer-predisposing syndrome. Last evaluated: 2024-01-13. Review status: criteria provided, single submitter. Criteria: Ambry Variant Classification Scheme 2023. Collection method: clinical testing. Allele origin: germline.
Comment: The p.D207V variant (also known as c.620A>T), located in coding exon 2 of the BLM gene, results from an A to T substitution at nucleotide position 620. The aspartic acid at codon 207 is replaced by valine, an amino acid with highly dissimilar properties. This amino acid position is not well conserved in available vertebrate species. In addition, this alteration is predicted to be tolerated by in silico analysis. Since supporting evidence is limited at this time, the clinical significance of this alteration remains unclear.

NM_000057.4(BLM):c.620A>T (p.Asp207Val)

Gene: BLM (BLM RecQ like helicase; plus strand). Cytogenetic location: 15q26.1.
Variant type: single nucleotide variant.
Coding change: c.620A>T on transcript NM_000057.4 (MANE Select); coding-DNA position 620, A replaced by T.
Protein change: p.Asp207Val; replaces aspartic acid 207 with valine.
Molecular consequence: missense variant. On other transcripts: 5 prime UTR variant (1).
Genome position (GRCh38, 1-based): chr15:90,749,888, A>T. VCF-style: chr15-90749888-A-T. GRCh37 (hg19) VCF-style: chr15-91293118-A-T.
Other names: c.620A>T, p.Asp207Val (NM_001287246.2, NM_001287247.2); c.-672A>T (NM_001287248.2); short protein forms D207V.
Identifiers: ClinVar variation 1443214 (VCV001443214.18), dbSNP rs1895629239, ClinGen allele CA393841188.